The following is an entry in ClinVar:

NC_000022.10:g.(?_32179873)_(32193709_?)del

Gene: DEPDC5 (DEP domain containing 5, GATOR1 subcomplex subunit; plus strand). Cytogenetic location: 22q12.2.
Variant type: Deletion.
Identifiers: ClinVar variation 2423999 (VCV002423999.4).

ClinVar aggregate classification (germline): Pathogenic (1 of 4 stars; one submission).

Conditions:
Familial focal epilepsy with variable foci (FPEVF). Identifiers: Orphanet 98820, MedGen C1858477, MONDO:0020310.

Submission:

Labcorp Genetics (formerly Invitae), Labcorp
Classification: Pathogenic for Familial focal epilepsy with variable foci. Last evaluated: 2022-05-10. Review status: criteria provided, single submitter. Criteria: Invitae Variant Classification Sherloc (09022015). Collection method: clinical testing. Allele origin: germline.
Comment: For these reasons, this variant has been classified as Pathogenic. This variant is a gross deletion of the genomic region encompassing exon(s) 9-13 of the DEPDC5 gene. This deletion is out-of-frame, and is expected to create a premature termination codon and result in an absent or disrupted protein product. Loss-of-function variants in DEPDC5 are known to be pathogenic (PMID: 23542697, 23542701). This variant has not been reported in the literature in individuals affected with DEPDC5-related conditions.

Literature cited by the submitters: PubMed 23542697; PubMed 23542701.